The following is an entry in ClinVar:

NM_000222.3(KIT):c.2384C>G (p.Ala795Gly)

Gene: KIT (KIT proto-oncogene, receptor tyrosine kinase; plus strand). Cytogenetic location: 4q12.
Variant type: single nucleotide variant.
Coding change: c.2384C>G on transcript NM_000222.3 (MANE Select); coding-DNA position 2384, C replaced by G.
Protein change: p.Ala795Gly; replaces alanine 795 with glycine.
Molecular consequence: missense variant.
Genome position (GRCh38, 1-based): chr4:54,733,092, C>G. VCF-style: chr4-54733092-C-G. GRCh37 (hg19) VCF-style: chr4-55599258-C-G.
Other names: c.2372C>G, p.Ala791Gly (NM_001093772.2, NM_001385292.1); c.2387C>G, p.Ala796Gly (NM_001385284.1); c.2381C>G, p.Ala794Gly (NM_001385285.1); c.2369C>G, p.Ala790Gly (NM_001385286.1); c.2375C>G, p.Ala792Gly (NM_001385288.1); c.2384C>G, p.Ala795Gly (NM_001385290.1); short protein forms A791G, A795G, A790G, A792G, A794G, A796G.
Identifiers: ClinVar variation 642614 (VCV000642614.14), dbSNP rs760704637, ClinGen allele CA2923768.

ClinVar aggregate classification (germline): Uncertain significance. Review status: criteria provided, multiple submitters, no conflicts (2 of 4 stars). 2 submissions from 2 submitters: Uncertain significance (2). Last evaluated 2024-08-14.

Conditions:
Gastrointestinal stromal tumor. Also called: Gastrointestinal stromal tumor, somatic; Gastrointestinal stroma tumor. Identifiers: Orphanet 44890, MedGen C0238198, MeSH D046152, MONDO:0011719, OMIM 606764, HP:0100723.
Hereditary cancer-predisposing syndrome. Also called: Hereditary Cancer Syndrome; Tumor predisposition; Neoplastic Syndromes, Hereditary; Hereditary neoplastic syndrome. Identifiers: Orphanet 140162, MedGen C0027672, MeSH D009386, MONDO:0015356.

Allele frequency attached by ClinVar (database versions not stated): TOPMed below 0.00001; ExAC 0.00001; gnomAD 0.00001.

Submissions (2):

Labcorp Genetics (formerly Invitae), Labcorp
Classification: Uncertain significance for Gastrointestinal stromal tumor. Last evaluated: 2024-08-14. Review status: criteria provided, single submitter. Criteria: Invitae Variant Classification Sherloc (09022015). Collection method: clinical testing. Allele origin: germline.
Comment: This sequence change replaces alanine, which is neutral and non-polar, with glycine, which is neutral and non-polar, at codon 795 of the KIT protein (p.Ala795Gly). This variant is present in population databases (rs760704637, gnomAD 0.0009%). This variant has not been reported in the literature in individuals affected with KIT-related conditions. ClinVar contains an entry for this variant (Variation ID: 642614). An algorithm developed to predict the effect of missense changes on protein structure and function (PolyPhen-2) suggests that this variant is likely to be disruptive. In summary, the available evidence is currently insufficient to determine the role of this variant in disease. Therefore, it has been classified as a Variant of Uncertain Significance.

Ambry Genetics
Classification: Uncertain significance for Hereditary cancer-predisposing syndrome. Last evaluated: 2023-07-09. Review status: criteria provided, single submitter. Criteria: Ambry Variant Classification Scheme 2023. Collection method: clinical testing. Allele origin: germline.
Comment: The p.A795G variant (also known as c.2384C>G), located in coding exon 17 of the KIT gene, results from a C to G substitution at nucleotide position 2384. The alanine at codon 795 is replaced by glycine, an amino acid with similar properties. This amino acid position is highly conserved in available vertebrate species. In addition, this alteration is predicted to be deleterious by in silico analysis. Since supporting evidence is limited at this time, the clinical significance of this alteration remains unclear.